The following is an entry in ClinVar:

ClinVar aggregate classification (germline): Likely pathogenic (1 of 4 stars; one submission).

Conditions:
Chédiak-Higashi syndrome (CHS). Also called: Chediak-Higashi Syndrome. Identifiers: Orphanet 167, MedGen C0007965, MONDO:0008963, OMIM 214500.

Submission:

Labcorp Genetics (formerly Invitae), Labcorp
Classification: Likely pathogenic for Chédiak-Higashi syndrome. Last evaluated: 2023-05-20. Review status: criteria provided, single submitter. Criteria: Invitae Variant Classification Sherloc (09022015). Collection method: clinical testing. Allele origin: germline.
Comment: This variant has not been reported in the literature in individuals affected with LYST-related conditions. In summary, the currently available evidence indicates that the variant is pathogenic, but additional data are needed to prove that conclusively. Therefore, this variant has been classified as Likely Pathogenic. Algorithms developed to predict the effect of sequence changes on RNA splicing suggest that this variant may disrupt the consensus splice site. This variant is not present in population databases (gnomAD no frequency). This sequence change affects a donor splice site in intron 43 of the LYST gene. It is expected to disrupt RNA splicing. Variants that disrupt the donor or acceptor splice site typically lead to a loss of protein function (PMID: 16199547), and loss-of-function variants in LYST are known to be pathogenic (PMID: 9215679, 11857544).

Literature cited by the submitters: PubMed 16199547; PubMed 9215679; PubMed 11857544.

NM_000081.4(LYST):c.9925+2T>C

Gene: LYST (lysosomal trafficking regulator; minus strand). Cytogenetic location: 1q42.3.
Variant type: single nucleotide variant.
Coding change: c.9925+2T>C on transcript NM_000081.4 (MANE Select); the canonical splice donor site of the intron after coding-DNA position 9925, T replaced by C.
Molecular consequence: splice donor variant.
Genome position (GRCh38, 1-based): chr1:235,712,055, A>G on the plus strand (T>C on the coding strand, the complement: LYST is on the minus strand). VCF-style: chr1-235712055-A-G. GRCh37 (hg19) VCF-style: chr1-235875355-A-G.
Other names: c.9925+2T>C (NM_001301365.1).
Identifiers: ClinVar variation 2863429 (VCV002863429.3), dbSNP rs2527380441, ClinGen allele CA344936593.